The following is an entry in ClinVar:

NM_006767.4(LZTR1):c.2425del (p.Leu809fs)

Gene: LZTR1 (leucine zipper like post translational regulator 1; plus strand). Cytogenetic location: 22q11.21.
Variant type: Deletion.
Coding change: c.2425del on transcript NM_006767.4 (MANE Select); coding-DNA position 2425, one base deleted (C; older notation c.2425delC).
Protein change: p.Leu809fs; shifts the reading frame from leucine 809.
Molecular consequence: frameshift variant.
Genome position (GRCh38, 1-based): chr22:20,997,250, C deleted; the last of 3 consecutive C bases (chr22:20,997,248-20,997,250); deleting any one gives the same sequence. VCF-style (leftmost placement, unchanged base first): chr22-20997247-AC-A. GRCh37 (hg19) VCF-style: chr22-21351536-AC-A.
Other names: short protein forms L809fs.
Identifiers: ClinVar variation 2012906 (VCV002012906.4), dbSNP rs2518626645, ClinGen allele CA2580099341.
Genomic context (GRCh38, chr22:20,997,247, plus strand): 5'-TAGGTGGATCTGGTCCCATCTCCTTCCGGCCTGCTTGCCTTACAGGTCTCCAAGTTGCCC[AC>A]CCTGCGGTCGCTGAGCCAGCAGCTGCTGCTGGACATCATAGACTCCCTGGCCTCCCACAT-3'

ClinVar aggregate classification (germline): Uncertain significance (1 of 4 stars; one submission).

Submission:

Labcorp Genetics (formerly Invitae), Labcorp
Classification: Uncertain significance. Last evaluated: 2022-07-01. Review status: criteria provided, single submitter. Criteria: Invitae Variant Classification Sherloc (09022015). Collection method: clinical testing. Allele origin: germline.
Comment: This variant has not been reported in the literature in individuals affected with LZTR1-related conditions. This sequence change creates a premature translational stop signal (p.Leu809Cysfs*4) in the LZTR1 gene. While this is not anticipated to result in nonsense mediated decay, it is expected to disrupt the last 32 amino acid(s) of the LZTR1 protein. This variant is not present in population databases (gnomAD no frequency). Experimental studies and prediction algorithms are not available or were not evaluated, and the functional significance of this variant is currently unknown. This variant disrupts a region of the LZTR1 protein in which other variant(s) (p.Ile821Thr) have been observed in individuals with LZTR1-related conditions (PMID: 29469822, 30481304). This suggests that this is a clinically significant region of the protein, and that variants that disrupt it are likely to be disease-causing. In summary, the available evidence is currently insufficient to determine the role of this variant in disease. Therefore, it has been classified as a Variant of Uncertain Significance.

Literature cited by the submitters: PubMed 29469822; PubMed 30481304.